The following is an entry in ClinVar:

NM_000051.4(ATM):c.8520G>C (p.Leu2840Phe)

Genes: ATM (ATM serine/threonine kinase; plus strand), C11orf65 (chromosome 11 open reading frame 65; minus strand). Cytogenetic location: 11q22.3.
Variant type: single nucleotide variant.
Coding change: c.8520G>C on transcript NM_000051.4 (MANE Select); coding-DNA position 8520, G replaced by C.
Protein change: p.Leu2840Phe; replaces leucine 2840 with phenylalanine.
Molecular consequence: missense variant. On other transcripts: intron variant (2).
Genome position (GRCh38, 1-based): chr11:108,345,844, G>C. VCF-style: chr11-108345844-G-C. GRCh37 (hg19) VCF-style: chr11-108216571-G-C.
Other names: NM_000051.4(ATM):c.8520G>C; p.Leu2840Phe; c.8520G>C, p.Leu2840Phe (NM_001351834.2); c.641-36773C>G (NM_001330368.2); c.695-10552C>G (NM_001351110.2); short protein forms L2840F.
Identifiers: ClinVar variation 221124 (VCV000221124.34), dbSNP rs752652869, ClinGen allele CA348719.

ClinVar aggregate classification (germline): Uncertain significance. Review status: reviewed by expert panel (3 of 4 stars). 13 submissions from 13 submitters: Uncertain significance (1). 12 of the submissions do not count toward it. Last evaluated 2024-11-26.

Conditions:
ATM-related disorder. Also called: ATM-related disorders; ATM-related condition.
Hereditary cancer-predisposing syndrome. Also called: Neoplastic Syndromes, Hereditary; Hereditary neoplastic syndrome; Tumor predisposition; Hereditary Cancer Syndrome. Identifiers: Orphanet 140162, MedGen C0027672, MeSH D009386, MONDO:0015356.
ATM-related cancer predisposition. Also called: ATM-related cancer susceptibility. Identifiers: MedGen CN377759, MONDO:0700270.
Ataxia-telangiectasia syndrome (AT). Also called: Ataxia telangiectasia (A-T); Cerebello-oculocutaneous telangiectasia; Immunodeficiency with ataxia telangiectasia; LOUIS-BAR SYNDROME; AT, COMPLEMENTATION GROUP C; ATAXIA-TELANGIECTASIA, FRESNO VARIANT. Identifiers: Orphanet 100, MedGen C0004135, MONDO:0008840, OMIM 208900.
Familial cancer of breast. Also called: hereditary breast carcinoma; Hereditary breast cancer; BREAST CANCER, FAMILIAL. Identifiers: Orphanet 227535, MedGen C0346153, MONDO:0016419, OMIM 114480. Disease mechanism: loss of function.

Allele frequency attached by ClinVar (database versions not stated): TOPMed 0.00001; gnomAD 0.00002 and 0.00001; ExAC 0.00001; gnomAD exomes 0.00001.
gnomAD v4.1: 14 of 1,613,696 alleles (0.00087%); highest among the groups gnomAD compares: African/African-American, 0.011%; no homozygotes.

Submissions (13):

ClinGen Hereditary Breast, Ovarian and Pancreatic Cancer Variant Curation Expert Panel, ClinGen
Classification: Uncertain significance for ATM-related cancer predisposition. Last evaluated: 2024-11-26. Review status: reviewed by expert panel. Criteria: ClinGen HBOP ACMG Specifications ATM V1.3.0. Collection method: curation. Allele origin: germline. Inheritance: Autosomal dominant inheritance.
Comment: The c.8520G>C variant in ATM is a missense variant predicted to cause substitution of leucine by phenylalanine at amino acid 2840 (p.Leu2840Phe). This variant has been detected in at least one individual with Ataxia-Telangiectasia (PMID: 26896183, 22649200). This variant is absent from gnomAD v2.1.1. The computational predictor REVEL gives a score of 0.464, which is neither above nor below the thresholds predicting a damaging or benign impact on ATM function. In summary, this variant meets criteria to be classified as a variant of uncertain significance for autosomal dominant ATM-related cancer predisposition and autosomal recessive Ataxia-Telangiectasia based on the ACMG/AMP criteria applied, as specified by the HBOP VCEP. (PM3, PM2_Supporting)

Women's Health and Genetics/Laboratory Corporation of America, LabCorp
Classification: Uncertain significance. Last evaluated: 2026-02-12. Review status: criteria provided, single submitter. Criteria: LabCorp Variant Classification Summary - May 2015. Collection method: clinical testing. Allele origin: germline. Not counted in ClinVar's aggregate classification.
Comment: Variant summary: ATM c.8520G>C (p.Leu2840Phe) results in a non-conservative amino acid change in the encoded protein sequence. Algorithms developed to predict the effect of missense changes on protein structure and function are either unavailable or do not agree on the potential impact of this missense change. The variant was absent in 251232 control chromosomes. c.8520G>C has been observed in the homozygous state in at least 1 individual(s) affected with Ataxia-telangiectasia syndrome (example, Carney_2012, Jackson_2016), in addition to multiple heterozygous individuals who were either unaffected or had clinical features of non-small cell lunger cancer or breast cancer (example, Rawashdeh_2024, Al Harbi_2023) . These data indicate that the variant may be associated with disease. At least one publication reports experimental evidence evaluating an impact on protein function. The most pronounced variant effect results in <10% of normal activity and protein expression in patient samples (example, Carney_2012). The following publications have been ascertained in the context of this evaluation (PMID: 37097610, 39541563, 37306523, 22649200, 26896183). ClinVar contains an entry for this variant (Variation ID: 221124). Based on the evidence outlined above, the variant was classified as VUS-possibly pathogenic.

Labcorp Genetics (formerly Invitae), Labcorp
Classification: Uncertain significance for Ataxia-telangiectasia syndrome. Last evaluated: 2026-01-26. Review status: criteria provided, single submitter. Criteria: Invitae Variant Classification Sherloc (09022015). Collection method: clinical testing. Allele origin: germline. Not counted in ClinVar's aggregate classification.
Comment: This sequence change replaces leucine, which is neutral and non-polar, with phenylalanine, which is neutral and non-polar, at codon 2840 of the ATM protein (p.Leu2840Phe). This variant is present in population databases (rs752652869, gnomAD no frequency). This missense change has been observed in individual(s) with ataxia-telangiectasia (PMID: 22649200). ClinVar contains an entry for this variant (Variation ID: 221124). Invitae Evidence Modeling of protein sequence and biophysical properties (such as structural, functional, and spatial information, amino acid conservation, physicochemical variation, residue mobility, and thermodynamic stability) indicates that this missense variant is not expected to disrupt ATM protein function with a negative predictive value of 95%. Experimental studies have shown that this missense change affects ATM function (PMID: 26896183). In summary, the available evidence is currently insufficient to determine the role of this variant in disease. Therefore, it has been classified as a Variant of Uncertain Significance.

Ambry Genetics
Classification: Uncertain significance for Hereditary cancer-predisposing syndrome. Last evaluated: 2025-08-26. Review status: criteria provided, single submitter. Criteria: Ambry Variant Classification Scheme 2023. Collection method: clinical testing. Allele origin: germline. Not counted in ClinVar's aggregate classification.
Comment: The p.L2840F variant (also known as c.8520G>C), located in coding exon 57 of the ATM gene, results from a G to C substitution at nucleotide position 8520. The leucine at codon 2840 is replaced by phenylalanine, an amino acid with highly similar properties. This alteration has been identified in the homozygous state in an individual with a clinical diagnosis of ataxia-telangiectasia (Carney EF et al. J. Immunol., 2012 Jul;189:261-8). This amino acid position is highly conserved in available vertebrate species. In addition, the in silico prediction for this alteration is inconclusive. Based on the available evidence, the clinical significance of this variant remains unclear.

PreventionGenetics, part of Exact Sciences
Classification: Uncertain significance for ATM-related condition. Last evaluated: 2025-07-29. Review status: criteria provided, single submitter. Criteria: ACMG Guidelines, 2015. Collection method: clinical testing. Allele origin: germline. Not counted in ClinVar's aggregate classification.
Comment: The ATM c.8520G>C variant is predicted to result in the amino acid substitution p.Leu2840Phe. This variant has been reported in the homozygous state in at least one individual with ataxia telangiectasia and functional assays suggest it abolishes enzyme activity (Carney et al. 2012. PubMed ID: 22649200; Table S1, Jackson et al. 2016. PubMed ID: 26896183). This variant has not been reported in a large population database, indicating this variant is rare. It is reported as a variant of uncertain significance by the ClinGen Hereditary Breast, Ovarian and Pancreatic Cancer Variant Curation Expert Panel in ClinVar (Variation ID: 221124). At this time, the clinical significance of this variant is uncertain due to the absence of conclusive functional and genetic evidence.

Molecular Pathology, Peter Maccallum Cancer Centre
Classification: Uncertain significance for Ataxia-telangiectasia syndrome. Last evaluated: 2025-05-28. Review status: criteria provided, single submitter. Criteria: ACMG Guidelines, 2015. Collection method: clinical testing. Allele origin: germline. Inheritance: Autosomal recessive inheritance. Not counted in ClinVar's aggregate classification.

Quest Diagnostics Nichols Institute San Juan Capistrano
Classification: Uncertain significance. Last evaluated: 2024-10-23. Review status: criteria provided, single submitter. Criteria: Quest Diagnostics criteria. Collection method: clinical testing. Allele origin: unknown. Not counted in ClinVar's aggregate classification.
Comment: The ATM c.8520G>C (p.Leu2840Phe) variant has been reported in the published literature in a homozygous individual with ataxia telangiectasia who's biochemical evidence confirmed protein impairment (PMID: 22649200 (2012)). The frequency of this variant in the general population, 0.000013 (2/152098 chromosomes (Genome Aggregation Database)), is uninformative in the assessment of its pathogenicity. Analysis of this variant using bioinformatics tools for the prediction of the effect of amino acid changes on protein structure and function yielded predictions that this variant is damaging. Based on the available information, we are unable to determine the clinical significance of this variant.

GeneDx
Classification: Uncertain significance. Last evaluated: 2024-08-28. Review status: criteria provided, single submitter. Criteria: GeneDx Variant Classification Process June 2021. Collection method: clinical testing. Allele origin: germline. Affected: yes. Not counted in ClinVar's aggregate classification.
Comment: In silico analysis indicates that this missense variant does not alter protein structure/function; Not observed at significant frequency in large population cohorts (gnomAD); This variant is associated with the following publications: (PMID: 24123366, 26896183, 22649200, 23532176, 37306523)

Blueprint Genetics
Classification: Uncertain significance. Last evaluated: 2024-08-09. Review status: criteria provided, single submitter. Criteria: ACMG Guidelines, 2015. Collection method: clinical testing. Allele origin: germline. Not counted in ClinVar's aggregate classification.

Color Diagnostics, LLC DBA Color Health
Classification: Uncertain significance for Hereditary cancer-predisposing syndrome. Last evaluated: 2024-01-22. Review status: criteria provided, single submitter. Criteria: ACMG Guidelines, 2015. Collection method: clinical testing. Allele origin: germline. Not counted in ClinVar's aggregate classification.
Comment: This missense variant replaces leucine with phenylalanine at codon 2840 of the ATM protein. Computational prediction suggests that this variant may not impact protein structure and function. This variant has been reported in the homozygous state in individuals affected with ataxia-telangiectasia (PMID: 22649200, 26896183). Cells derived from these individuals have shown no detectable kinase activity. This variant has been identified in 1/246018 chromosomes in the general population by the Genome Aggregation Database (gnomAD). The available evidence is insufficient to determine the role of this variant in disease conclusively. Therefore, this variant is classified as a Variant of Uncertain Significance.

Baylor Genetics
Classification: Uncertain significance for Familial cancer of breast. Last evaluated: 2023-06-06. Review status: criteria provided, single submitter. Criteria: ACMG Guidelines, 2015. Collection method: clinical testing. Allele origin: unknown. Not counted in ClinVar's aggregate classification.

KCCC/NGS Laboratory, Kuwait Cancer Control Center
Classification: Uncertain significance for Familial cancer of breast. Last evaluated: 2023-06-06. Review status: criteria provided, single submitter. Criteria: ACMG Guidelines, 2015. Collection method: clinical testing. Allele origin: germline. Affected: yes. Not counted in ClinVar's aggregate classification.
Comment: a variant of uncertain significance in the ATM gene (p.Leu2840Phe). This sequence change replaces leucine, which is neutral and non-polar, with phenylalanine, which is neutral and non-polar, at codon 2840 of the ATM protein (p.Leu2840Phe). This variant is present in population databases (rs752652869, gnomAD no frequency). This missense change has been observed in individual(s) with ataxia-telangiectasia (PMID: 22649200). ClinVar contains an entry for this variant (Variation ID: 221124). Algorithms developed to predict the effect of missense changes on protein structure and function are either unavailable or do not agree on the potential impact of this missense change (SIFT: "Tolerated"; PolyPhen-2: "Probably Damaging";). Experimental studies are conflicting or provide insufficient evidence to determine the effect of this variant on ATM function (PMID: 22649200). In summary, the available evidence is currently insufficient to determine the role of this variant in disease. Therefore, it has been classified as a Variant of Uncertain Significance.

Athena Diagnostics
Classification: Uncertain significance. Last evaluated: 2022-07-18. Review status: criteria provided, single submitter. Criteria: Athena Diagnostics Criteria. Collection method: clinical testing. Allele origin: unknown. Not counted in ClinVar's aggregate classification.

Literature cited by the submitters: PubMed 22649200 (cited by 6 submitters); PubMed 26896183 (cited by 5 submitters); PubMed 37306523 (cited by Women's Health and Genetics/Laboratory Corporation of America, LabCorp and Quest Diagnostics Nichols Institute San Juan Capistrano); PubMed 37097610 (cited by Women's Health and Genetics/Laboratory Corporation of America, LabCorp); PubMed 39541563 (cited by Women's Health and Genetics/Laboratory Corporation of America, LabCorp).